The following is an entry in ClinVar:

NM_001367561.1(DOCK7):c.3508A>G (p.Ile1170Val)

Gene: DOCK7 (dedicator of cytokinesis 7; minus strand). Cytogenetic location: 1p31.3.
Variant type: single nucleotide variant.
Coding change: c.3508A>G on transcript NM_001367561.1 (MANE Select); coding-DNA position 3508, A replaced by G.
Protein change: p.Ile1170Val; replaces isoleucine 1170 with valine.
Molecular consequence: missense variant.
Genome position (GRCh38, 1-based): chr1:62,535,596, T>C on the plus strand (A>G on the coding strand, the complement: DOCK7 is on the minus strand). VCF-style: chr1-62535596-T-C. GRCh37 (hg19) VCF-style: chr1-63001267-T-C.
Other names: c.3415A>G (NM_033407.2); c.3508A>G, p.Ile1170Val (NM_001271999.2, NM_001330614.2); c.3415A>G, p.Ile1139Val (NM_001272000.2, NM_001272001.2, NM_033407.4); short protein forms I1170V, I1139V.
Identifiers: ClinVar variation 475138 (VCV000475138.26), dbSNP rs770962486, ClinGen allele CA885968.

ClinVar aggregate classification (germline): Uncertain significance. Review status: criteria provided, multiple submitters, no conflicts (2 of 4 stars). 5 submissions from 5 submitters: Uncertain significance (5). Last evaluated 2026-01-21.

Conditions:
Inborn genetic diseases. Identifiers: MedGen C0950123, MeSH D030342.
Developmental and epileptic encephalopathy, 23 (DEE23). Also called: Epileptic encephalopathy, early infantile, 23. Identifiers: Orphanet 411986, MedGen C4014492, MONDO:0014371, OMIM 615859.

Allele frequency attached by ClinVar (database versions not stated): ExAC 0.00001; gnomAD exomes 0.00001; TOPMed 0.00001.
gnomAD v4.1: 26 of 1,613,968 alleles (0.0016%); highest among the groups gnomAD compares: Middle Eastern, 0.05%; no homozygotes.

Submissions (5):

Labcorp Genetics (formerly Invitae), Labcorp
Classification: Uncertain significance for Developmental and epileptic encephalopathy, 23. Last evaluated: 2026-01-21. Review status: criteria provided, single submitter. Criteria: Invitae Variant Classification Sherloc (09022015). Collection method: clinical testing. Allele origin: germline.
Comment: This sequence change replaces isoleucine, which is neutral and non-polar, with valine, which is neutral and non-polar, at codon 1170 of the DOCK7 protein (p.Ile1170Val). This variant is present in population databases (rs770962486, gnomAD 0.006%). This variant has not been reported in the literature in individuals affected with DOCK7-related conditions. ClinVar contains an entry for this variant (Variation ID: 475138). Invitae Evidence Modeling of protein sequence and biophysical properties (such as structural, functional, and spatial information, amino acid conservation, physicochemical variation, residue mobility, and thermodynamic stability) indicates that this missense variant is not expected to disrupt DOCK7 protein function with a negative predictive value of 80%. In summary, the available evidence is currently insufficient to determine the role of this variant in disease. Therefore, it has been classified as a Variant of Uncertain Significance.

Ambry Genetics
Classification: Uncertain significance for Inborn genetic diseases. Last evaluated: 2025-04-29. Review status: criteria provided, single submitter. Criteria: Ambry Variant Classification Scheme 2023. Collection method: clinical testing. Allele origin: germline.

Blueprint Genetics
Classification: Uncertain significance. Last evaluated: 2024-09-25. Review status: criteria provided, single submitter. Criteria: ACMG Guidelines, 2015. Collection method: clinical testing. Allele origin: germline.

CeGaT Center for Human Genetics Tuebingen
Classification: Uncertain significance. Last evaluated: 2024-07-01. Review status: criteria provided, single submitter. Criteria: CeGaT Center For Human Genetics Tuebingen Variant Classification Criteria Version 2. Collection method: clinical testing. Allele origin: germline. Affected: yes. Observed: 1 variant allele.
Comment: DOCK7: PM2

Genome-Nilou Lab
Classification: Uncertain significance for Developmental and epileptic encephalopathy, 23. Last evaluated: 2023-04-11. Review status: criteria provided, single submitter. Criteria: ACMG Guidelines, 2015. Collection method: clinical testing. Allele origin: germline. Affected: no.